The following is an entry in ClinVar:

ClinVar aggregate classification (germline): Uncertain significance. Review status: criteria provided, multiple submitters, no conflicts (2 of 4 stars). 2 submissions from 2 submitters: Uncertain significance (2). Last evaluated 2022-04-01.

Conditions:
RASopathy. Also called: Noonan spectrum disorder; rasopathies. Identifiers: Orphanet 536391, MedGen C5555857, MONDO:0021060.

Allele frequency attached by ClinVar (database versions not stated): gnomAD 0.00001.
gnomAD v4.1: 6 of 1,613,198 alleles (0.00037%); highest among the groups gnomAD compares: Non-Finnish European, 0.00051%; no homozygotes.

Submissions (2):

Labcorp Genetics (formerly Invitae), Labcorp
Classification: Uncertain significance for RASopathy. Last evaluated: 2022-04-01. Review status: criteria provided, single submitter. Criteria: Invitae Variant Classification Sherloc (09022015). Collection method: clinical testing. Allele origin: germline.
Comment: This sequence change replaces glutamic acid, which is acidic and polar, with lysine, which is basic and polar, at codon 590 of the SOS1 protein (p.Glu590Lys). This variant is not present in population databases (gnomAD no frequency). This variant has not been reported in the literature in individuals affected with SOS1-related conditions. ClinVar contains an entry for this variant (Variation ID: 1304457). Advanced modeling of protein sequence and biophysical properties (such as structural, functional, and spatial information, amino acid conservation, physicochemical variation, residue mobility, and thermodynamic stability) performed at Invitae indicates that this missense variant is expected to disrupt SOS1 protein function. In summary, the available evidence is currently insufficient to determine the role of this variant in disease. Therefore, it has been classified as a Variant of Uncertain Significance.

GeneDx
Classification: Uncertain significance. Last evaluated: 2021-06-08. Review status: criteria provided, single submitter. Criteria: GeneDx Variant Classification Process June 2021. Collection method: clinical testing. Allele origin: germline. Affected: yes.
Comment: Not observed at significant frequency in large population cohorts (Lek et al., 2016); Missense variants in this gene are often considered pathogenic (Stenson et al., 2014); In silico analysis supports that this missense variant has a deleterious effect on protein structure/function; This variant is associated with the following publications: (PMID: 27535533)

NM_005633.4(SOS1):c.1768G>A (p.Glu590Lys)

Gene: SOS1 (SOS Ras/Rac guanine nucleotide exchange factor 1; minus strand). Cytogenetic location: 2p22.1.
Variant type: single nucleotide variant.
Coding change: c.1768G>A on transcript NM_005633.4 (MANE Select); coding-DNA position 1768, G replaced by A.
Protein change: p.Glu590Lys; replaces glutamic acid 590 with lysine.
Molecular consequence: missense variant.
Genome position (GRCh38, 1-based): chr2:39,022,660, C>T on the plus strand (G>A on the coding strand, the complement: SOS1 is on the minus strand). VCF-style: chr2-39022660-C-T. GRCh37 (hg19) VCF-style: chr2-39249801-C-T.
Other names: c.1747G>A, p.Glu583Lys (NM_001382394.1); c.1768G>A, p.Glu590Lys (NM_001382395.1); short protein forms E583K, E590K.
Identifiers: ClinVar variation 1304457 (VCV001304457.6), dbSNP rs730881047, ClinGen allele CA346365428.
Genomic context (GRCh38, chr2:39,022,660, plus strand): 5'-TAAGTTTAATAACAGTTCCTGCTTTGATAATTGGAATTCCAGCCTTGGGCTGCATGTTCT[C>T]TTCAAATATAATATTCTCTTCAGAGTCAGGCTCTGCAAATCTATAAACATCAGCACTAGG-3'
Protein context (NP_005624.2, residues 580-600): PDSEENIIFE[Glu590Lys]NMQPKAGIPI